The following is an entry in ClinVar:

NM_031885.5(BBS2):c.1217C>G (p.Thr406Ser)

Gene: BBS2 (Bardet-Biedl syndrome 2; minus strand). Cytogenetic location: 16q13.
Variant type: single nucleotide variant.
Coding change: c.1217C>G on transcript NM_031885.5 (MANE Select); coding-DNA position 1217, C replaced by G.
Protein change: p.Thr406Ser; replaces threonine 406 with serine.
Molecular consequence: missense variant. On other transcripts: non-coding transcript variant (5).
Genome position (GRCh38, 1-based): chr16:56,501,361, G>C on the plus strand (C>G on the coding strand, the complement: BBS2 is on the minus strand). VCF-style: chr16-56501361-G-C. GRCh37 (hg19) VCF-style: chr16-56535273-G-C.
Other names: c.1217C>G, p.Thr406Ser (NM_001377456.1); short protein forms T406S.
Identifiers: ClinVar variation 3345838 (VCV003345838.1).

ClinVar aggregate classification (germline): Uncertain significance (0 of 4 stars; one submission).

Conditions:
BBS2-related disorder. Also called: BBS2-related condition; BBS2-related disorders. Identifiers: MedGen CN239228.

Submission:

PreventionGenetics, part of Exact Sciences
Classification: Uncertain significance for BBS2-related condition. Last evaluated: 2024-05-16. Review status: no assertion criteria provided. Collection method: clinical testing. Allele origin: germline.
Comment: The BBS2 c.1217C>G variant is predicted to result in the amino acid substitution p.Thr406Ser. To our knowledge, this variant has not been reported in the literature or in a large population database, indicating this variant is rare. At this time, the clinical significance of this variant is uncertain due to the absence of conclusive functional and genetic evidence.